The following is an entry in ClinVar:

ClinVar aggregate classification (germline): Benign/Likely benign. Review status: criteria provided, multiple submitters, no conflicts (2 of 4 stars). 4 submissions from 4 submitters: Benign (1); Likely benign (3). Last evaluated 2026-01-28.

Conditions:
Epilepsy, familial focal, with variable foci 3 (FFEVF3). Identifiers: MedGen C4310708, MONDO:0014925, OMIM 617118.

Allele frequency attached by ClinVar (database versions not stated): gnomAD exomes 0.00119 and 0.00266; ExAC 0.00344; gnomAD 0.01046 and 0.01129; 1000 Genomes Project 0.01138; ESP Exome Variant Server 0.01138; 1000 Genomes Project 30x 0.01140; TOPMed 0.01242.
gnomAD v4.1: 3,380 of 1,613,600 alleles (0.21%); highest among the groups gnomAD compares: African/African-American, 3.7%; 58 homozygotes.

Submissions (4):

Labcorp Genetics (formerly Invitae), Labcorp
Classification: Benign for Epilepsy, familial focal, with variable foci 3. Last evaluated: 2026-01-28. Review status: criteria provided, single submitter. Criteria: Invitae Variant Classification Sherloc (09022015). Collection method: clinical testing. Allele origin: germline.

GeneDx
Classification: Likely benign. Last evaluated: 2021-08-05. Review status: criteria provided, single submitter. Criteria: GeneDx Variant Classification Process June 2021. Collection method: clinical testing. Allele origin: germline. Affected: yes.
Comment: Not observed in large population cohorts (Lek et al., 2016) In silico analysis, which includes protein predictors and evolutionary conservation, supports that this variant does not alter protein structure/function Has not been previously published as pathogenic or benign to our knowledge Observed in heterozygous state in multiple clinically unaffected adult relatives of individuals referred for genetic testing at GeneDx, suggesting the variant is benign

Center for Pediatric Genomic Medicine, Children's Mercy Hospital and Clinics
Classification: Likely benign. Last evaluated: 2017-06-12. Review status: criteria provided, single submitter. Criteria: ACMG Guidelines, 2015. Collection method: clinical testing. Allele origin: germline.

Breakthrough Genomics
Classification: Likely benign. Review status: criteria provided, single submitter. Criteria: ACMG Guidelines, 2015. Collection method: not provided. Allele origin: germline. Inheritance: Autosomal dominant inheritance. Affected: yes.

NM_001077350.3(NPRL3):c.1486G>A (p.Ala496Thr)

Genes: HBA-LCR (alpha-globin locus control region; plus strand), NPRL3 (NPR3 like, GATOR1 complex subunit; minus strand). Cytogenetic location: 16p13.3.
Variant type: single nucleotide variant.
Coding change: c.1486G>A on transcript NM_001077350.3 (MANE Select); coding-DNA position 1486, G replaced by A.
Protein change: p.Ala496Thr; replaces alanine 496 with threonine.
Molecular consequence: missense variant.
Genome position (GRCh38, 1-based): chr16:88,756, C>T on the plus strand (G>A on the coding strand, the complement: NPRL3 is on the minus strand). VCF-style: chr16-88756-C-T. GRCh37 (hg19) VCF-style: chr16-138755-C-T.
Other names: c.949G>A, p.Ala317Thr (NM_001039476.3); c.1252G>A, p.Ala418Thr (NM_001243247.2); c.1411G>A, p.Ala471Thr (NM_001243248.2, NM_001243249.2); short protein forms A471T, A496T, A317T, A418T.
Identifiers: ClinVar variation 445596 (VCV000445596.16), dbSNP rs58036849, ClinGen allele CA7769310.